The following is an entry in ClinVar:

NM_000551.4(VHL):c.125A>G (p.Glu42Gly)

Gene: VHL (von Hippel-Lindau tumor suppressor; plus strand). Cytogenetic location: 3p25.3.
Variant type: single nucleotide variant.
Coding change: c.125A>G on transcript NM_000551.4 (MANE Select); coding-DNA position 125, A replaced by G.
Protein change: p.Glu42Gly; replaces glutamic acid 42 with glycine.
Molecular consequence: missense variant.
Genome position (GRCh38, 1-based): chr3:10,141,972, A>G. VCF-style: chr3-10141972-A-G. GRCh37 (hg19) VCF-style: chr3-10183656-A-G.
Other names: c.125A>G (NM_000551.3); c.125A>G, p.Glu42Gly (NM_001354723.2, NM_198156.3); short protein forms E42G.
Identifiers: ClinVar variation 1043302 (VCV001043302.11), dbSNP rs1064796244, ClinGen allele CA351747982.

ClinVar aggregate classification (germline): Conflicting classifications of pathogenicity. Review status: criteria provided, conflicting classifications (1 of 4 stars). 3 submissions from 3 submitters: Uncertain significance (2); Likely benign (1). Last evaluated 2026-04-08.

Conditions:
Von Hippel-Lindau syndrome (VHLS). Also called: Von Hippel-Lindau; von Hippel–Lindau syndrome; VHL syndrome. Identifiers: Orphanet 892, MedGen C0019562, MONDO:0008667, OMIM 193300. Disease mechanism: loss of function.
Chuvash polycythemia. Also called: POLYCYTHEMIA, VHL-DEPENDENT. Identifiers: Orphanet 238557, MedGen C1837915, MONDO:0009892, OMIM 263400.
Hereditary cancer-predisposing syndrome. Also called: Hereditary neoplastic syndrome; Neoplastic Syndromes, Hereditary; Tumor predisposition; Hereditary Cancer Syndrome. Identifiers: Orphanet 140162, MedGen C0027672, MeSH D009386, MONDO:0015356.

Submissions (3):

Ambry Genetics
Classification: Likely benign for Hereditary cancer-predisposing syndrome. Last evaluated: 2026-04-08. Review status: criteria provided, single submitter. Criteria: Ambry Variant Classification Scheme 2023. Collection method: clinical testing. Allele origin: germline.

Labcorp Genetics (formerly Invitae), Labcorp
Classification: Uncertain significance for Von Hippel-Lindau syndrome; Chuvash polycythemia. Last evaluated: 2024-05-29. Review status: criteria provided, single submitter. Criteria: Invitae Variant Classification Sherloc (09022015). Collection method: clinical testing. Allele origin: germline.
Comment: This sequence change replaces glutamic acid, which is acidic and polar, with glycine, which is neutral and non-polar, at codon 42 of the VHL protein (p.Glu42Gly). This variant is not present in population databases (gnomAD no frequency). This variant has not been reported in the literature in individuals affected with VHL-related conditions. ClinVar contains an entry for this variant (Variation ID: 1043302). Advanced modeling of protein sequence and biophysical properties (such as structural, functional, and spatial information, amino acid conservation, physicochemical variation, residue mobility, and thermodynamic stability) performed at Invitae indicates that this missense variant is not expected to disrupt VHL protein function with a negative predictive value of 95%. In summary, the available evidence is currently insufficient to determine the role of this variant in disease. Therefore, it has been classified as a Variant of Uncertain Significance.

All of Us Research Program, National Institutes of Health
Classification: Uncertain significance for Von Hippel-Lindau syndrome. Last evaluated: 2024-05-09. Review status: criteria provided, single submitter. Criteria: ACMG Guidelines, 2015. Collection method: clinical testing. Allele origin: germline. Inheritance: Autosomal dominant inheritance. Observed: 1 variant allele, 1 heterozygote.
Comment: This study involves interpretation of variants in research participants for the purpose of population health screening. Participant phenotype was not available at the time of variant classification. Additional details can be found in publication PMID: 35346344, PMCID: PMC8962531